The following is an entry in ClinVar:

NM_025132.4(WDR19):c.3681T>G (p.Asp1227Glu)

Gene: WDR19 (WD repeat domain 19; plus strand). Cytogenetic location: 4p14.
Variant type: single nucleotide variant.
Coding change: c.3681T>G on transcript NM_025132.4 (MANE Select); coding-DNA position 3681, T replaced by G.
Protein change: p.Asp1227Glu; replaces aspartic acid 1227 with glutamic acid.
Molecular consequence: missense variant.
Genome position (GRCh38, 1-based): chr4:39,274,923, T>G. VCF-style: chr4-39274923-T-G. GRCh37 (hg19) VCF-style: chr4-39276543-T-G.
Other names: c.3681T>G (NM_025132.3); c.3201T>G, p.Asp1067Glu (NM_001317924.2); short protein forms D1227E, D1067E.
Identifiers: ClinVar variation 1424101 (VCV001424101.7), dbSNP rs573727744, ClinGen allele CA2892444.

ClinVar aggregate classification (germline): Uncertain significance. Review status: criteria provided, multiple submitters, no conflicts (2 of 4 stars). 3 submissions from 3 submitters: Uncertain significance (3). Last evaluated 2024-12-12.

Conditions:
Inborn genetic diseases. Identifiers: MedGen C0950123, MeSH D030342.
Senior-Loken syndrome 8 (SLSN8). Identifiers: Orphanet 3156, MedGen C4225376, MONDO:0014579, OMIM 616307.
Asphyxiating thoracic dystrophy 5 (SRTD5). Also called: SHORT-RIB THORACIC DYSPLASIA 5 WITH OR WITHOUT POLYDACTYLY; SHORT-RIB THORACIC DYSPLASIA 5 WITHOUT POLYDACTYLY. Identifiers: Orphanet 474, MedGen C3280598, MONDO:0013717, OMIM 614376.

gnomAD v4.1: 11 of 1,613,924 alleles (0.00068%); highest among the groups gnomAD compares: Non-Finnish European, 0.00093%; no homozygotes.

Submissions (3):

Ambry Genetics
Classification: Uncertain significance for Inborn genetic diseases. Last evaluated: 2024-12-12. Review status: criteria provided, single submitter. Criteria: Ambry Variant Classification Scheme 2023. Collection method: clinical testing. Allele origin: germline.

Labcorp Genetics (formerly Invitae), Labcorp
Classification: Uncertain significance for Senior-Loken syndrome 8; Asphyxiating thoracic dystrophy 5. Last evaluated: 2022-05-13. Review status: criteria provided, single submitter. Criteria: Invitae Variant Classification Sherloc (09022015). Collection method: clinical testing. Allele origin: germline.
Comment: This sequence change replaces aspartic acid, which is acidic and polar, with glutamic acid, which is acidic and polar, at codon 1227 of the WDR19 protein (p.Asp1227Glu). This variant is present in population databases (rs573727744, gnomAD 0.004%). This variant has not been reported in the literature in individuals affected with WDR19-related conditions. Algorithms developed to predict the effect of missense changes on protein structure and function (SIFT, PolyPhen-2, Align-GVGD) all suggest that this variant is likely to be tolerated. In summary, the available evidence is currently insufficient to determine the role of this variant in disease. Therefore, it has been classified as a Variant of Uncertain Significance.

Blueprint Genetics
Classification: Uncertain significance. Last evaluated: 2019-11-29. Review status: criteria provided, single submitter. Criteria: ACMG Guidelines, 2015. Collection method: clinical testing. Allele origin: germline.